The following is an entry in ClinVar:

ClinVar aggregate classification (germline): Benign. Review status: criteria provided, multiple submitters, no conflicts (2 of 4 stars). 4 submissions from 4 submitters: Benign (4). Last evaluated 2026-01-27.

Conditions:
Triosephosphate isomerase deficiency (TPID). Also called: Triose phosphate isomerase deficiency. Identifiers: Orphanet 868, MedGen C1860808, MONDO:0014221, OMIM 615512.

Allele frequency attached by ClinVar (database versions not stated): ExAC 0.00666; gnomAD 0.02195 and 0.02344; ESP Exome Variant Server 0.02260; TOPMed 0.02365; 1000 Genomes Project 0.02576; 1000 Genomes Project 30x 0.02780.
gnomAD v4.1: 6,760 of 1,613,402 alleles (0.42%); highest among the groups gnomAD compares: African/African-American, 7.9%; 240 homozygotes.

Submissions (4):

Labcorp Genetics (formerly Invitae), Labcorp
Classification: Benign. Last evaluated: 2026-01-27. Review status: criteria provided, single submitter. Criteria: Invitae Variant Classification Sherloc (09022015). Collection method: clinical testing. Allele origin: germline.

ARUP Laboratories, Molecular Genetics and Genomics, ARUP Laboratories
Classification: Benign for Triosephosphate isomerase deficiency. Last evaluated: 2025-02-25. Review status: criteria provided, single submitter. Criteria: ARUP Molecular Germline Variant Investigation Process 2024. Collection method: clinical testing. Allele origin: germline.

Illumina Laboratory Services, Illumina
Classification: Benign for Triosephosphate isomerase deficiency. Last evaluated: 2018-01-12. Review status: criteria provided, single submitter. Criteria: ICSL Variant Classification Criteria 13 December 2019. Collection method: clinical testing. Allele origin: germline.
Comment: This variant was observed in the ICSL laboratory as part of a predisposition screen in an ostensibly healthy population. It had not been previously curated by ICSL or reported in the Human Gene Mutation Database (HGMD: prior to June 1st, 2018), and was therefore a candidate for classification through an automated scoring system. Utilizing variant allele frequency, disease prevalence and penetrance estimates, and inheritance mode, an automated score was calculated to assess if this variant is too frequent to cause the disease. Based on the score and internal cut-off values, a variant classified as benign is not then subjected to further curation. The score for this variant resulted in a classification of benign for this disease.

Breakthrough Genomics
Classification: Benign. Review status: criteria provided, single submitter. Criteria: ACMG Guidelines, 2015. Collection method: not provided. Allele origin: germline. Inheritance: Autosomal recessive inheritance. Affected: yes.

NM_000365.6(TPI1):c.631+13G>A

Gene: TPI1 (triosephosphate isomerase 1; plus strand). Cytogenetic location: 12p13.31.
Variant type: single nucleotide variant.
Coding change: c.631+13G>A on transcript NM_000365.6 (MANE Select); 13 bases into the intron after coding-DNA position 631, G replaced by A.
Molecular consequence: intron variant.
Genome position (GRCh38, 1-based): chr12:6,870,149, G>A. VCF-style: chr12-6870149-G-A. GRCh37 (hg19) VCF-style: chr12-6979313-G-A.
Other names: c.742+13G>A (NM_001159287.1); c.385+13G>A (NM_001258026.2).
Identifiers: ClinVar variation 310365 (VCV000310365.28), dbSNP rs60115912, ClinGen allele CA6419012.